The following is an entry in ClinVar:

NM_000257.4(MYH7):c.2938G>A (p.Glu980Lys)

Gene: MYH7 (myosin heavy chain 7; minus strand). Cytogenetic location: 14q11.2.
Variant type: single nucleotide variant.
Coding change: c.2938G>A on transcript NM_000257.4 (MANE Select); coding-DNA position 2938, G replaced by A.
Protein change: p.Glu980Lys; replaces glutamic acid 980 with lysine.
Molecular consequence: missense variant.
Genome position (GRCh38, 1-based): chr14:23,423,708, C>T on the plus strand (G>A on the coding strand, the complement: MYH7 is on the minus strand). VCF-style: chr14-23423708-C-T. GRCh37 (hg19) VCF-style: chr14-23892917-C-T.
Other names: c.2938G>A, p.Glu980Lys (NM_001407004.1); short protein forms E980K.
Identifiers: ClinVar variation 3071041 (VCV003071041.1), dbSNP rs1892576176, ClinGen allele CA389046490.

ClinVar aggregate classification (germline): Uncertain significance (1 of 4 stars; one submission).

Conditions:
Cardiomyopathy (CMYO). Also called: Cardiomyopathies. Identifiers: Orphanet 167848, MedGen C0878544, MONDO:0004994, HP:0001638. Inheritance: Various modes of inheritance.

Allele frequency attached by ClinVar (database versions not stated): gnomAD exomes below 0.00001; TOPMed below 0.00001.
gnomAD v4.1: 4 of 1,614,138 alleles (0.00025%); highest among the groups gnomAD compares: Non-Finnish European, 0.00034%; no homozygotes.

Submission:

All of Us Research Program, National Institutes of Health
Classification: Uncertain significance for Cardiomyopathy. Last evaluated: 2023-05-16. Review status: criteria provided, single submitter. Criteria: ACMG Guidelines, 2015. Collection method: clinical testing. Allele origin: germline. Inheritance: Autosomal dominant inheritance. Observed: 1 variant allele, 1 heterozygote.
Comment: This missense variant replaces glutamic acid with lysine at codon 980 of the MYH7 protein. Computational prediction suggests that this variant may have a deleterious impact on protein structure and function (internally defined REVEL score threshold >= 0.7, PMID: 27666373). To our knowledge, functional studies have not been reported for this variant. This variant has not been reported in individuals affected with MYH7-related disorders in the literature. This variant has not been identified in the general population by the Genome Aggregation Database (gnomAD). The available evidence is insufficient to determine the role of this variant in disease conclusively. Therefore, this variant is classified as a Variant of Uncertain Significance.

This study involves interpretation of variants in research participants for the purpose of population health screening. Participant phenotype was not available at the time of variant classification. Additional details can be found in publication PMID: 35346344, PMCID: PMC8962531